The following is an entry in ClinVar:

ClinVar aggregate classification (germline): Uncertain significance (1 of 4 stars; one submission).

Conditions:
Arrhythmogenic right ventricular dysplasia 8 (ARVD8). Also called: Arrhythmogenic Right Ventricular Dysplasia/Cardiomyopathy 8; ARRHYTHMOGENIC RIGHT VENTRICULAR DYSPLASIA, FAMILIAL, 8; ARRHYTHMOGENIC RIGHT VENTRICULAR CARDIOMYOPATHY 8. Identifiers: MedGen C1843896, MONDO:0011831, OMIM 607450.
Arrhythmogenic cardiomyopathy with wooly hair and keratoderma. Also called: PALMOPLANTAR KERATODERMA WITH LEFT VENTRICULAR CARDIOMYOPATHY AND WOOLLY HAIR; Carvajal syndrome; Dilated cardiomyopathy with woolly hair and keratoderma; Arrhythmogenic cardiomyopathy with woolly hair and keratoderma. Identifiers: Orphanet 65282, MedGen C1854063, MONDO:0011581, OMIM 605676.

Submission:

Labcorp Genetics (formerly Invitae), Labcorp
Classification: Uncertain significance for Arrhythmogenic cardiomyopathy with wooly hair and keratoderma; Arrhythmogenic right ventricular dysplasia 8. Last evaluated: 2024-12-13. Review status: criteria provided, single submitter. Criteria: Invitae Variant Classification Sherloc (09022015). Collection method: clinical testing. Allele origin: germline.
Comment: This sequence change replaces leucine, which is neutral and non-polar, with proline, which is neutral and non-polar, at codon 1291 of the DSP protein (p.Leu1291Pro). This variant is not present in population databases (gnomAD no frequency). This variant has not been reported in the literature in individuals affected with DSP-related conditions. An algorithm developed to predict the effect of missense changes on protein structure and function (PolyPhen-2) suggests that this variant is likely to be disruptive. In summary, the available evidence is currently insufficient to determine the role of this variant in disease. Therefore, it has been classified as a Variant of Uncertain Significance.

NM_004415.4(DSP):c.3872T>C (p.Leu1291Pro)

Gene: DSP (desmoplakin; plus strand). Cytogenetic location: 6p24.3.
Variant type: single nucleotide variant.
Coding change: c.3872T>C on transcript NM_004415.4 (MANE Select); coding-DNA position 3872, T replaced by C.
Protein change: p.Leu1291Pro; replaces leucine 1291 with proline.
Molecular consequence: missense variant. On other transcripts: intron variant (1).
Genome position (GRCh38, 1-based): chr6:7,580,062, T>C. VCF-style: chr6-7580062-T-C. GRCh37 (hg19) VCF-style: chr6-7580295-T-C.
Other names: c.3872T>C, p.Leu1291Pro (NM_001319034.2); c.3582+290T>C (NM_001008844.3); short protein forms L1291P.
Identifiers: ClinVar variation 3750067 (VCV003750067.2).
Genomic context (GRCh38, chr6:7,580,062, plus strand): 5'-AAGAAAACGCCCTTCAGCAAAAGGCCTGTGGCTCTGAGATAATGCAGAAGAAGCAGCATC[T>C]GGAGATAGAACTGAAGCAGGTCATGCAGCAGCGCTCTGAGGACAATGCCCGGCACAAGCA-3'
Protein context (NP_004406.2, residues 1281-1301): GSEIMQKKQH[Leu1291Pro]EIELKQVMQQ